The following is an entry in ClinVar:

NM_201548.5(CERKL):c.793C>T (p.Gln265Ter)

Gene: CERKL (CERK like autophagy regulator; minus strand). Cytogenetic location: 2q31.3.
Variant type: single nucleotide variant.
Coding change: c.793C>T on transcript NM_201548.5 (MANE Select); coding-DNA position 793, C replaced by T.
Protein change: p.Gln265Ter; replaces glutamine 265 with a stop codon.
Molecular consequence: nonsense. On other transcripts: non-coding transcript variant (2), intron variant (2).
Genome position (GRCh38, 1-based): chr2:181,558,593, G>A on the plus strand (C>T on the coding strand, the complement: CERKL is on the minus strand). VCF-style: chr2-181558593-G-A. GRCh37 (hg19) VCF-style: chr2-182423320-G-A.
Other names: c.871C>T, p.Gln291Ter (NM_001030311.3); c.739C>T, p.Gln247Ter (NM_001160277.2); c.482-8885C>T (NM_001030312.3); c.614-8885C>T (NM_001030313.3); short protein forms Q291*, Q247*, Q265*.
Identifiers: ClinVar variation 1452597 (VCV001452597.6), dbSNP rs1269787346, ClinGen allele CA349740164.

ClinVar aggregate classification (germline): Pathogenic (1 of 4 stars; one submission).

Allele frequency attached by ClinVar (database versions not stated): gnomAD exomes below 0.00001.
gnomAD v4.1: 1 of 1,613,714 alleles (0.000062%); highest among the groups gnomAD compares: East Asian, 0.0022%; no homozygotes.

Submission:

Labcorp Genetics (formerly Invitae), Labcorp
Classification: Pathogenic. Last evaluated: 2020-12-05. Review status: criteria provided, single submitter. Criteria: Invitae Variant Classification Sherloc (09022015). Collection method: clinical testing. Allele origin: germline.
Comment: This variant is not present in population databases (ExAC no frequency). For these reasons, this variant has been classified as Pathogenic. This variant has not been reported in the literature in individuals with CERKL-related conditions. This sequence change creates a premature translational stop signal (p.Gln291*) in the CERKL gene. It is expected to result in an absent or disrupted protein product. Loss-of-function variants in CERKL are known to be pathogenic (PMID: 14681825, 24043777).

Literature cited by the submitters: PubMed 14681825; PubMed 24043777.